The following is an entry in ClinVar:

ClinVar aggregate classification (germline): Likely benign. Review status: criteria provided, multiple submitters, no conflicts (2 of 4 stars). 2 submissions from 2 submitters: Likely benign (2). Last evaluated 2018-01-12.

Conditions:
Hirschsprung disease, susceptibility to, 4. Identifiers: Orphanet 388, MedGen C3150975, MONDO:0013384, OMIM 613712.

Allele frequency attached by ClinVar (database versions not stated): 1000 Genomes Project 30x 0.00016; 1000 Genomes Project 0.00020; ESP Exome Variant Server 0.00023; TOPMed 0.00049; gnomAD 0.00062 and 0.00064; gnomAD exomes 0.00111; ExAC 0.00113.
gnomAD v4.1: 1,070 of 1,591,592 alleles (0.067%); highest among the groups gnomAD compares: Middle Eastern, 0.68%; 6 homozygotes.

Submissions (2):

Illumina Laboratory Services, Illumina
Classification: Likely benign for Hirschsprung disease, susceptibility to, 4. Last evaluated: 2018-01-12. Review status: criteria provided, single submitter. Criteria: ICSL Variant Classification Criteria 13 December 2019. Collection method: clinical testing. Allele origin: germline.
Comment: This variant was observed in the ICSL laboratory as part of a predisposition screen in an ostensibly healthy population. It had not been previously curated by ICSL or reported in the Human Gene Mutation Database (HGMD: prior to June 1st, 2018), and was therefore a candidate for classification through an automated scoring system. Utilizing variant allele frequency, disease prevalence and penetrance estimates, and inheritance mode, an automated score was calculated to assess if this variant is too frequent to cause the disease. Based on the score and internal cut-off values, a variant classified as likely benign is not then subjected to further curation. The score for this variant resulted in a classification of likely benign for this disease.

Breakthrough Genomics
Classification: Likely benign. Review status: criteria provided, single submitter. Criteria: ACMG Guidelines, 2015. Collection method: not provided. Allele origin: germline. Inheritance: Autosomal recessive inheritance. Affected: yes.

NM_207034.3(EDN3):c.-44C>T

Gene: EDN3 (endothelin 3; plus strand). Cytogenetic location: 20q13.32.
Variant type: single nucleotide variant.
Coding change: c.-44C>T on transcript NM_207034.3 (MANE Select); 44 bases upstream of the start codon, C replaced by T.
Molecular consequence: 5 prime UTR variant.
Genome position (GRCh38, 1-based): chr20:59,300,769, C>T. VCF-style: chr20-59300769-C-T. GRCh37 (hg19) VCF-style: chr20-57875824-C-T.
Other names: c.-44C>T (NM_001302455.2, NM_001302456.2, NM_207032.3 and 1 more transcripts).
Identifiers: ClinVar variation 339120 (VCV000339120.6), dbSNP rs368814466, ClinGen allele CA9930213.